The following is an entry in ClinVar:

ClinVar aggregate classification (germline): Benign/Likely benign. Review status: criteria provided, multiple submitters, no conflicts (2 of 4 stars). 11 submissions from 11 submitters: Benign (8); Likely benign (3). Last evaluated 2026-04-01.

Conditions:
Inborn genetic diseases. Identifiers: MedGen C0950123, MeSH D030342.
Charcot-Marie-Tooth disease. Also called: Charcot-Marie-Tooth Hereditary Neuropathy; Charcot-Marie-Tooth Neuropathy. Identifiers: Orphanet 166, MedGen C0007959, MONDO:0015626.
Charcot-Marie-Tooth disease type 1C. Also called: CHARCOT-MARIE-TOOTH NEUROPATHY, TYPE 1C; NEUROPATHY, HEREDITARY MOTOR AND SENSORY, TYPE IC; Charcot-Marie-Tooth disease, type IC; CHARCOT-MARIE-TOOTH DISEASE, DEMYELINATING, TYPE 1C; CMT, SLOW NERVE CONDUCTION TYPE C; HMSN IC. Identifiers: Orphanet 101083, MedGen C0270913, MONDO:0010995, OMIM 601098.

Allele frequency attached by ClinVar (database versions not stated): 1000 Genomes Project 30x 0.00156; 1000 Genomes Project 0.00200; gnomAD exomes 0.00213 and 0.00318; ExAC 0.00222; gnomAD 0.00251 and 0.00256; ESP Exome Variant Server 0.00262; TOPMed 0.00277.
gnomAD v4.1: 5,024 of 1,614,134 alleles (0.31%); highest among the groups gnomAD compares: Middle Eastern, 0.4%; 10 homozygotes.

Submissions (11):

CeGaT Center for Human Genetics Tuebingen
Classification: Likely benign. Last evaluated: 2026-04-01. Review status: criteria provided, single submitter. Criteria: CeGaT Center For Human Genetics Tuebingen Variant Classification Criteria Version 2. Collection method: clinical testing. Allele origin: germline. Affected: yes. Observed: 6 variant alleles.
Comment: LITAF: BP4, BP7

Labcorp Genetics (formerly Invitae), Labcorp
Classification: Benign for Charcot-Marie-Tooth disease type 1C. Last evaluated: 2026-01-27. Review status: criteria provided, single submitter. Criteria: Invitae Variant Classification Sherloc (09022015). Collection method: clinical testing. Allele origin: germline.

ARUP Laboratories, Molecular Genetics and Genomics, ARUP Laboratories
Classification: Benign for Charcot-Marie-Tooth disease type 1C. Last evaluated: 2025-05-21. Review status: criteria provided, single submitter. Criteria: ARUP Molecular Germline Variant Investigation Process 2024. Collection method: clinical testing. Allele origin: germline.

Athena Diagnostics
Classification: Benign. Last evaluated: 2025-05-05. Review status: criteria provided, single submitter. Criteria: Athena Diagnostics Criteria. Collection method: clinical testing. Allele origin: unknown.
Comment: The frequency of this variant in the general population is higher than would generally be expected for pathogenic variants in this gene.

Blueprint Genetics
Classification: Likely benign. Last evaluated: 2024-11-26. Review status: criteria provided, single submitter. Criteria: ACMG Guidelines, 2015. Collection method: clinical testing. Allele origin: germline.

Mayo Clinic Laboratories, Mayo Clinic
Classification: Benign. Last evaluated: 2022-08-19. Review status: criteria provided, single submitter. Criteria: ACMG Guidelines, 2015. Collection method: clinical testing. Allele origin: germline. Observed: 17 variant alleles.

Ambry Genetics
Classification: Likely benign for Inborn genetic diseases. Last evaluated: 2019-07-11. Review status: criteria provided, single submitter. Criteria: Ambry Variant Classification Scheme 2023. Collection method: clinical testing. Allele origin: germline.

Illumina Laboratory Services, Illumina
Classification: Benign for Charcot-Marie-Tooth disease type 1C. Last evaluated: 2018-01-12. Review status: criteria provided, single submitter. Criteria: ICSL Variant Classification Criteria 13 December 2019. Collection method: clinical testing. Allele origin: germline.
Comment: This variant was observed in the ICSL laboratory as part of a predisposition screen in an ostensibly healthy population. It had not been previously curated by ICSL or reported in the Human Gene Mutation Database (HGMD: prior to June 1st, 2018), and was therefore a candidate for classification through an automated scoring system. Utilizing variant allele frequency, disease prevalence and penetrance estimates, and inheritance mode, an automated score was calculated to assess if this variant is too frequent to cause the disease. Based on the score and internal cut-off values, a variant classified as benign is not then subjected to further curation. The score for this variant resulted in a classification of benign for this disease.

GeneDx
Classification: Benign. Last evaluated: 2015-07-30. Review status: criteria provided, single submitter. Criteria: GeneDx Variant Classification (06012015). Collection method: clinical testing. Allele origin: germline. Affected: yes.
Comment: This variant is considered likely benign or benign based on one or more of the following criteria: it is a conservative change, it occurs at a poorly conserved position in the protein, it is predicted to be benign by multiple in silico algorithms, and/or has population frequency not consistent with disease.

Breakthrough Genomics
Classification: Benign. Review status: criteria provided, single submitter. Criteria: ACMG Guidelines, 2015. Collection method: not provided. Allele origin: germline. Inheritance: Autosomal dominant inheritance. Affected: yes.

Molecular Genetics Laboratory, London Health Sciences Centre
Classification: Benign for Charcot-Marie-Tooth disease. Review status: criteria provided, single submitter. Criteria: ACMG Guidelines, 2015. Collection method: clinical testing. Allele origin: germline. Affected: yes.

Literature cited by the submitters: PubMed 22765307 (cited by Athena Diagnostics); PubMed 16787513 (cited by Athena Diagnostics).

NM_001136472.2(LITAF):c.333C>T (p.Ala111=)

Gene: LITAF (lipopolysaccharide induced TNF factor; minus strand). Cytogenetic location: 16p13.13.
Variant type: single nucleotide variant.
Coding change: c.333C>T on transcript NM_001136472.2 (MANE Select); coding-DNA position 333, C replaced by T.
Protein change: p.Ala111=; no amino-acid change (alanine 111 retained).
Molecular consequence: synonymous variant. On other transcripts: non-coding transcript variant (1).
Genome position (GRCh38, 1-based): chr16:11,553,577, G>A on the plus strand (C>T on the coding strand, the complement: LITAF is on the minus strand). VCF-style: chr16-11553577-G-A. GRCh37 (hg19) VCF-style: chr16-11647433-G-A.
Other names: p.Ala111=; c.333C>T, p.Ala111= (NM_001136473.1, NM_004862.4).
Identifiers: ClinVar variation 221057 (VCV000221057.48), dbSNP rs34448402, ClinGen allele CA348145.
Genomic context (GRCh38, chr16:11,553,577, plus strand): 5'-TGGGAGGCAGACTCACCCCAGCAGGCACAGGCTCCCGCAGGACAGCCAGGTCAGAGCACC[G>A]GCGTTATAGGACAGCTGACTCACGATCATCTTGTTGCAGGAAGGACAACACATTTGGATA-3'
Protein context (NP_001129944.1, residues 101-121): KMIVSQLSYN[Ala111=]GALTWLSCGS